The following is an entry in ClinVar:

NM_001563.4(IMPG1):c.765G>T (p.Gln255His)

Gene: IMPG1 (interphotoreceptor matrix proteoglycan 1; minus strand). Cytogenetic location: 6q14.1.
Variant type: single nucleotide variant.
Coding change: c.765G>T on transcript NM_001563.4 (MANE Select); coding-DNA position 765, G replaced by T.
Protein change: p.Gln255His; replaces glutamine 255 with histidine.
Molecular consequence: missense variant.
Genome position (GRCh38, 1-based): chr6:76,018,760, C>A on the plus strand (G>T on the coding strand, the complement: IMPG1 is on the minus strand). VCF-style: chr6-76018760-C-A. GRCh37 (hg19) VCF-style: chr6-76728477-C-A.
Other names: c.531G>T, p.Gln177His (NM_001282368.2); short protein forms Q177H, Q255H.
Identifiers: ClinVar variation 3109576 (VCV003109576.3), dbSNP rs763578742, ClinGen allele CA3898346.
Genomic context (GRCh38, chr6:76,018,760, plus strand): 5'-TGGGCCGGGTCTACTCACCTGAAGTTGGGACTTTCCTGCTAGCTCCTGGTAATATGGGGA[C>A]TGGGAGTCAGCGAGCTCTGCCTTGAACTTCTGGTTTACCAGAGAGACGCTGAGCTCCACC-3'
Protein context (NP_001554.2, residues 245-265): QKFKAELADS[Gln255His]SPYYQELAGK

ClinVar aggregate classification (germline): Uncertain significance. Review status: criteria provided, multiple submitters, no conflicts (2 of 4 stars). 2 submissions from 2 submitters: Uncertain significance (2). Last evaluated 2024-04-09.

Allele frequency attached by ClinVar (database versions not stated): gnomAD exomes 0.00001; ExAC 0.00002; gnomAD 0.00003; TOPMed 0.00005.
gnomAD v4.1: 14 of 1,613,324 alleles (0.00087%); highest among the groups gnomAD compares: African/African-American, 0.015%; no homozygotes.

Submissions (2):

Labcorp Genetics (formerly Invitae), Labcorp
Classification: Uncertain significance. Last evaluated: 2024-04-09. Review status: criteria provided, single submitter. Criteria: Invitae Variant Classification Sherloc (09022015). Collection method: clinical testing. Allele origin: germline.
Comment: This sequence change replaces glutamine, which is neutral and polar, with histidine, which is basic and polar, at codon 255 of the IMPG1 protein (p.Gln255His). This variant is present in population databases (rs763578742, gnomAD 0.008%). This variant has not been reported in the literature in individuals affected with IMPG1-related conditions. Algorithms developed to predict the effect of missense changes on protein structure and function output the following: SIFT: "Not Available"; PolyPhen-2: "Benign"; Align-GVGD: "Not Available". The histidine amino acid residue is found in multiple mammalian species, which suggests that this missense change does not adversely affect protein function. In summary, the available evidence is currently insufficient to determine the role of this variant in disease. Therefore, it has been classified as a Variant of Uncertain Significance.

Ambry Genetics
Classification: Uncertain significance. Last evaluated: 2023-10-27. Review status: criteria provided, single submitter. Criteria: Ambry Variant Classification Scheme 2023. Collection method: clinical testing. Allele origin: germline.